The following is an entry in ClinVar:

NM_001013703.4(EIF2AK4):c.4729-121C>T

Gene: EIF2AK4 (eukaryotic translation initiation factor 2 alpha kinase 4; plus strand). Cytogenetic location: 15q15.1.
Variant type: single nucleotide variant.
Coding change: c.4729-121C>T on transcript NM_001013703.4 (MANE Select); 121 bases into the intron before coding-DNA position 4729, C replaced by T.
Molecular consequence: intron variant.
Genome position (GRCh38, 1-based): chr15:40,032,636, C>T. VCF-style: chr15-40032636-C-T. GRCh37 (hg19) VCF-style: chr15-40324837-C-T.
Identifiers: ClinVar variation 674673 (VCV000674673.2), dbSNP rs2291621, ClinGen allele CA14200740.

ClinVar aggregate classification (germline): Benign. Review status: criteria provided, multiple submitters, no conflicts (2 of 4 stars). 2 submissions from 2 submitters: Benign (2). Last evaluated 2018-06-14.

Allele frequency attached by ClinVar (database versions not stated): 1000 Genomes Project 0.90655; 1000 Genomes Project 30x 0.91209; gnomAD exomes 0.91359; gnomAD 0.92818 and 0.93146; TOPMed 0.93263.
gnomAD v4.1: 773,746 of 844,720 alleles (92%); highest among the groups gnomAD compares: Admixed American, 96%; 355,135 homozygotes.

Submissions (2):

GeneDx
Classification: Benign. Last evaluated: 2018-06-14. Review status: criteria provided, single submitter. Criteria: GeneDx Variant Classification (06012015). Collection method: clinical testing. Allele origin: germline. Affected: yes.
Comment: This variant is considered likely benign or benign based on one or more of the following criteria: it is a conservative change, it occurs at a poorly conserved position in the protein, it is predicted to be benign by multiple in silico algorithms, and/or has population frequency not consistent with disease.

Breakthrough Genomics
Classification: Benign. Review status: criteria provided, single submitter. Criteria: ACMG Guidelines, 2015. Collection method: not provided. Allele origin: germline. Inheritance: Autosomal recessive inheritance. Affected: yes.